The following is an entry in ClinVar:

ClinVar aggregate classification (germline): Uncertain significance (1 of 4 stars; one submission).

Allele frequency attached by ClinVar (database versions not stated): gnomAD exomes 0.00016; ExAC 0.00039; TOPMed 0.00046; 1000 Genomes Project 30x 0.00062; 1000 Genomes Project 0.00080.
gnomAD v4.1: 293 of 1,613,956 alleles (0.018%); highest among the groups gnomAD compares: Admixed American, 0.38%; 1 homozygote.

Submission:

GeneDx
Classification: Uncertain significance. Last evaluated: 2022-02-21. Review status: criteria provided, single submitter. Criteria: GeneDx Variant Classification Process June 2021. Collection method: clinical testing. Allele origin: germline. Affected: yes.
Comment: In silico analysis supports that this missense variant does not alter protein structure/function; Has not been previously published as pathogenic or benign to our knowledge

NM_002016.2(FLG):c.1293C>A (p.Asn431Lys)

Genes: CCDST (cervical cancer associated DHX9 suppressive transcript; plus strand), FLG (filaggrin; minus strand). Cytogenetic location: 1q21.3.
Variant type: single nucleotide variant.
Coding change: c.1293C>A on transcript NM_002016.2 (MANE Select); coding-DNA position 1293, C replaced by A.
Protein change: p.Asn431Lys; replaces asparagine 431 with lysine.
Molecular consequence: missense variant. On other transcripts: non-coding transcript variant (1).
Genome position (GRCh38, 1-based): chr1:152,313,593, G>T on the plus strand (C>A on the coding strand, the complement: FLG is on the minus strand). VCF-style: chr1-152313593-G-T. GRCh37 (hg19) VCF-style: chr1-152286069-G-T.
Other names: short protein forms N431K.
Identifiers: ClinVar variation 1703954 (VCV001703954.2), dbSNP rs117562935, ClinGen allele CA1107706.